The following is an entry in ClinVar:

NM_170606.3(KMT2C):c.9751A>G (p.Ile3251Val)

Gene: KMT2C (lysine methyltransferase 2C; minus strand). Cytogenetic location: 7q36.1.
Variant type: single nucleotide variant.
Coding change: c.9751A>G on transcript NM_170606.3 (MANE Select); coding-DNA position 9751, A replaced by G.
Protein change: p.Ile3251Val; replaces isoleucine 3251 with valine.
Molecular consequence: missense variant.
Genome position (GRCh38, 1-based): chr7:152,163,826, T>C on the plus strand (A>G on the coding strand, the complement: KMT2C is on the minus strand). VCF-style: chr7-152163826-T-C. GRCh37 (hg19) VCF-style: chr7-151860911-T-C.
Other names: short protein forms I3251V.
Identifiers: ClinVar variation 2119360 (VCV002119360.4), dbSNP rs768210869, ClinGen allele CA370106213.

ClinVar aggregate classification (germline): Uncertain significance (1 of 4 stars; one submission).

Submission:

Labcorp Genetics (formerly Invitae), Labcorp
Classification: Uncertain significance. Last evaluated: 2022-05-06. Review status: criteria provided, single submitter. Criteria: Invitae Variant Classification Sherloc (09022015). Collection method: clinical testing. Allele origin: germline.
Comment: This sequence change replaces isoleucine, which is neutral and non-polar, with valine, which is neutral and non-polar, at codon 3251 of the KMT2C protein (p.Ile3251Val). This variant is not present in population databases (gnomAD no frequency). This variant has not been reported in the literature in individuals affected with KMT2C-related conditions. Algorithms developed to predict the effect of missense changes on protein structure and function are either unavailable or do not agree on the potential impact of this missense change (SIFT: "Deleterious"; PolyPhen-2: "Probably Damaging"; Align-GVGD: "Class C0"). In summary, the available evidence is currently insufficient to determine the role of this variant in disease. Therefore, it has been classified as a Variant of Uncertain Significance.